The following is an entry in ClinVar:

ClinVar aggregate classification (germline): Uncertain significance. Review status: criteria provided, multiple submitters, no conflicts (2 of 4 stars). 2 submissions from 2 submitters: Uncertain significance (2). Last evaluated 2023-07-25.

Conditions:
Emery-Dreifuss muscular dystrophy 5, autosomal dominant (EDMD5). Also called: EMERY-DREIFUSS MUSCULAR DYSTROPHY 5. Identifiers: Orphanet 261, MedGen C2751805, MONDO:0013072, OMIM 612999.

Allele frequency attached by ClinVar (database versions not stated): gnomAD exomes below 0.00001; TOPMed below 0.00001.
gnomAD v4.1: 2 of 1,614,088 alleles (0.00012%); highest among the groups gnomAD compares: Non-Finnish European, 0.00017%; no homozygotes.

Submissions (2):

Ambry Genetics
Classification: Uncertain significance. Last evaluated: 2023-07-25. Review status: criteria provided, single submitter. Criteria: Ambry Variant Classification Scheme 2023. Collection method: clinical testing. Allele origin: germline.

Labcorp Genetics (formerly Invitae), Labcorp
Classification: Uncertain significance for Emery-Dreifuss muscular dystrophy 5, autosomal dominant. Last evaluated: 2021-04-11. Review status: criteria provided, single submitter. Criteria: Invitae Variant Classification Sherloc (09022015). Collection method: clinical testing. Allele origin: germline.
Comment: This sequence change replaces tyrosine with aspartic acid at codon 4727 of the SYNE2 protein (p.Tyr4727Asp). The tyrosine residue is moderately conserved and there is a large physicochemical difference between tyrosine and aspartic acid. This variant is not present in population databases (ExAC no frequency). This variant has not been reported in the literature in individuals with SYNE2-related conditions. In summary, the available evidence is currently insufficient to determine the role of this variant in disease. Therefore, it has been classified as a Variant of Uncertain Significance. Algorithms developed to predict the effect of missense changes on protein structure and function are either unavailable or do not agree on the potential impact of this missense change (SIFT: "Tolerated"; PolyPhen-2: "Possibly Damaging"; Align-GVGD: "Class C0").

NM_182914.3(SYNE2):c.14179T>G (p.Tyr4727Asp)

Gene: SYNE2 (spectrin repeat containing nuclear envelope protein 2; plus strand). Cytogenetic location: 14q23.2.
Variant type: single nucleotide variant.
Coding change: c.14179T>G on transcript NM_182914.3 (MANE Select); coding-DNA position 14179, T replaced by G.
Protein change: p.Tyr4727Asp; replaces tyrosine 4727 with aspartic acid.
Molecular consequence: missense variant.
Genome position (GRCh38, 1-based): chr14:64,130,087, T>G. VCF-style: chr14-64130087-T-G. GRCh37 (hg19) VCF-style: chr14-64596805-T-G.
Other names: c.14179T>G (NM_182914.2); c.14179T>G, p.Tyr4727Asp (NM_015180.6); short protein forms Y4727D.
Identifiers: ClinVar variation 1414698 (VCV001414698.9), dbSNP rs2097999211, ClinGen allele CA389979234.
Genomic context (GRCh38, chr14:64,130,087, plus strand): 5'-CACCTGCTCTTCTCTTTTCAGGATGTACTTGACAGTATGTGGGGAATGCTAAGAGCCAGG[T>G]ACACAGAACTCAGCAGCCCTTTCGTCACTGAGAGCCAGCAAGATGCTTTGTTGCAAGGCA-3'
Protein context (NP_878918.2, residues 4717-4737): DSMWGMLRAR[Tyr4727Asp]TELSSPFVTE